The following is an entry in ClinVar:

NM_005859.5(PURA):c.232A>G (p.Lys78Glu)

Gene: PURA (purine rich element binding protein A; plus strand). Cytogenetic location: 5q31.3.
Variant type: single nucleotide variant.
Coding change: c.232A>G on transcript NM_005859.5 (MANE Select); coding-DNA position 232, A replaced by G.
Protein change: p.Lys78Glu; replaces lysine 78 with glutamic acid.
Molecular consequence: missense variant.
Genome position (GRCh38, 1-based): chr5:140,114,413, A>G. VCF-style: chr5-140114413-A-G. GRCh37 (hg19) VCF-style: chr5-139493998-A-G.
Other names: short protein forms K78E.
Identifiers: ClinVar variation 1711613 (VCV001711613.35), dbSNP rs2479504573, ClinGen allele CA361490228.

ClinVar aggregate classification (germline): Conflicting classifications of pathogenicity. Review status: criteria provided, conflicting classifications (1 of 4 stars). 2 submissions from 2 submitters: Likely pathogenic (1); Uncertain significance (1). Last evaluated 2022-09-19.

Conditions:
PURA-related severe neonatal hypotonia-seizures-encephalopathy syndrome (NEDRIHF). Also called: PURA-Related Neurodevelopmental Disorders; NEURODEVELOPMENTAL DISORDER WITH NEONATAL RESPIRATORY INSUFFICIENCY, HYPOTONIA, AND FEEDING DIFFICULTIES. Identifiers: Orphanet 438213, Orphanet 438216, MedGen C4015357, MONDO:1060108, OMIM 616158, MONDO:0018580.

Submissions (2):

Labcorp Genetics (formerly Invitae), Labcorp
Classification: Uncertain significance for PURA-related severe neonatal hypotonia-seizures-encephalopathy syndrome. Last evaluated: 2022-09-19. Review status: criteria provided, single submitter. Criteria: Invitae Variant Classification Sherloc (09022015). Collection method: clinical testing. Allele origin: germline.
Comment: In summary, the available evidence is currently insufficient to determine the role of this variant in disease. Therefore, it has been classified as a Variant of Uncertain Significance. Advanced modeling of protein sequence and biophysical properties (such as structural, functional, and spatial information, amino acid conservation, physicochemical variation, residue mobility, and thermodynamic stability) has been performed at Invitae for this missense variant, however the output from this modeling did not meet the statistical confidence thresholds required to predict the impact of this variant on PURA protein function. This variant has not been reported in the literature in individuals affected with PURA-related conditions. This variant is not present in population databases (gnomAD no frequency). This sequence change replaces lysine, which is basic and polar, with glutamic acid, which is acidic and polar, at codon 78 of the PURA protein (p.Lys78Glu).

CeGaT Center for Human Genetics Tuebingen
Classification: Likely pathogenic. Last evaluated: 2022-08-01. Review status: criteria provided, single submitter. Criteria: CeGaT Center For Human Genetics Tuebingen Variant Classification Criteria Version 2. Collection method: clinical testing. Allele origin: germline. Affected: yes. Observed: 1 variant allele.
Comment: PURA: PM1, PM2, PS2:Moderate, PP2